The following is an entry in ClinVar:

NM_000334.4(SCN4A):c.2953C>T (p.Pro985Ser)

Genes: SCN4A (sodium voltage-gated channel alpha subunit 4; minus strand), GH-LCR (growth hormone locus control region; plus strand). Cytogenetic location: 17q23.3.
Variant type: single nucleotide variant.
Coding change: c.2953C>T on transcript NM_000334.4 (MANE Select); coding-DNA position 2953, C replaced by T.
Protein change: p.Pro985Ser; replaces proline 985 with serine.
Molecular consequence: missense variant.
Genome position (GRCh38, 1-based): chr17:63,949,429, G>A on the plus strand (C>T on the coding strand, the complement: SCN4A is on the minus strand). VCF-style: chr17-63949429-G-A. GRCh37 (hg19) VCF-style: chr17-62026789-G-A.
Other names: short protein forms P985S.
Identifiers: ClinVar variation 1513607 (VCV001513607.8), dbSNP rs1322343855, ClinGen allele CA400622241.
Genomic context (GRCh38, chr17:63,949,429, plus strand): 5'-AGATGAGGTGAGGGGTGCCCTCACCCTCAGTGAAGCACTCCTCAGGCTGCTCCCCCTCGG[G>A]GTTCTCCTCTGCCTGCTCCTCAGGGTCCTCCTCGGGGGGCTTGTAGTCAGCTGTGCTGCA-3'
Protein context (NP_000325.4, residues 975-995): EDPEEQAEEN[Pro985Ser]EGEQPEECFT

ClinVar aggregate classification (germline): Uncertain significance (1 of 4 stars; one submission).

Conditions:
Hyperkalemic periodic paralysis. Also called: Familial hyperkalemic periodic paralysis; Gamstorp disease. Identifiers: Orphanet 682, MedGen C0238357, MONDO:0008224, OMIM 170500, HP:0007215.

Allele frequency attached by ClinVar (database versions not stated): gnomAD exomes below 0.00001 and 0.00001; TOPMed 0.00001.
gnomAD v4.1: 9 of 1,599,970 alleles (0.00056%); highest among the groups gnomAD compares: South Asian, 0.0011%; no homozygotes.

Submission:

Labcorp Genetics (formerly Invitae), Labcorp
Classification: Uncertain significance for Hyperkalemic periodic paralysis. Last evaluated: 2021-09-15. Review status: criteria provided, single submitter. Criteria: Invitae Variant Classification Sherloc (09022015). Collection method: clinical testing. Allele origin: germline.
Comment: In summary, the available evidence is currently insufficient to determine the role of this variant in disease. Therefore, it has been classified as a Variant of Uncertain Significance. Algorithms developed to predict the effect of missense changes on protein structure and function are either unavailable or do not agree on the potential impact of this missense change (SIFT: "Deleterious"; PolyPhen-2: "Benign"; Align-GVGD: "Class C0"). This variant has not been reported in the literature in individuals with SCN4A-related conditions. This variant is not present in population databases (ExAC no frequency). This sequence change replaces proline with serine at codon 985 of the SCN4A protein (p.Pro985Ser). The proline residue is highly conserved and there is a moderate physicochemical difference between proline and serine.